The following is an entry in ClinVar:

ClinVar aggregate classification (germline): Likely benign (1 of 4 stars; one submission).

Allele frequency attached by ClinVar (database versions not stated): 1000 Genomes Project 30x 0.00062; 1000 Genomes Project 0.00080; TOPMed 0.00277; ExAC 0.00282; ESP Exome Variant Server 0.00416.
gnomAD v4.1: 5,794 of 1,551,408 alleles (0.37%); highest among the groups gnomAD compares: Non-Finnish European, 0.46%; 22 homozygotes.

Submission:

CeGaT Center for Human Genetics Tuebingen
Classification: Likely benign. Last evaluated: 2022-08-01. Review status: criteria provided, single submitter. Criteria: CeGaT Center For Human Genetics Tuebingen Variant Classification Criteria Version 2. Collection method: clinical testing. Allele origin: germline. Affected: yes. Observed: 1 variant allele.
Comment: GRID2IP: BP4, BP7

NM_001145118.2(GRID2IP):c.3363C>T (p.Ser1121=)

Gene: GRID2IP (Grid2 interacting protein; minus strand). Cytogenetic location: 7p22.1.
Variant type: single nucleotide variant.
Coding change: c.3363C>T on transcript NM_001145118.2 (MANE Select); coding-DNA position 3363, C replaced by T.
Protein change: p.Ser1121=; no amino-acid change (serine 1121 retained).
Molecular consequence: synonymous variant.
Genome position (GRCh38, 1-based): chr7:6,501,817, G>A on the plus strand (C>T on the coding strand, the complement: GRID2IP is on the minus strand). VCF-style: chr7-6501817-G-A. GRCh37 (hg19) VCF-style: chr7-6541448-G-A.
Other names: c.2790C>T, p.Ser930= (NM_001388403.1); c.2814C>T, p.Ser938= (NM_001394781.1).
Identifiers: ClinVar variation 2657299 (VCV002657299.24), dbSNP rs61734441, ClinGen allele CA4155254.